The following is an entry in ClinVar:

NM_000168.6(GLI3):c.3598C>G (p.His1200Asp)

Gene: GLI3 (GLI family zinc finger 3; minus strand). Cytogenetic location: 7p14.1.
Variant type: single nucleotide variant.
Coding change: c.3598C>G on transcript NM_000168.6 (MANE Select); coding-DNA position 3598, C replaced by G.
Protein change: p.His1200Asp; replaces histidine 1200 with aspartic acid.
Molecular consequence: missense variant.
Genome position (GRCh38, 1-based): chr7:41,965,475, G>C on the plus strand (C>G on the coding strand, the complement: GLI3 is on the minus strand). VCF-style: chr7-41965475-G-C. GRCh37 (hg19) VCF-style: chr7-42005073-G-C.
Other names: short protein forms H1200D.
Identifiers: ClinVar variation 360229 (VCV000360229.33), dbSNP rs145069572, ClinGen allele CA4230324.

ClinVar aggregate classification (germline): Benign/Likely benign. Review status: criteria provided, multiple submitters, no conflicts (2 of 4 stars). 9 submissions from 7 submitters: Benign (7); Likely benign (2). Last evaluated 2026-01-13.

Conditions:
Greig cephalopolysyndactyly syndrome (GCPS). Also called: GLI3-Related Greig Cephalopolysyndactyly Syndrome; POLYSYNDACTYLY WITH PECULIAR SKULL SHAPE; Greig syndrome. Identifiers: Orphanet 380, MedGen C0265306, MONDO:0008287, OMIM 175700.
Polysyndactyly 4. Also called: Polysyndactyly uncomplicated; Preaxial polydactyly 4. Identifiers: Orphanet 93338, MedGen C1868111, MONDO:0008272, OMIM 174700.
Pallister-Hall syndrome (PHS). Also called: HYPOTHALAMIC HAMARTOBLASTOMA, HYPOPITUITARISM, IMPERFORATE ANUS, AND POSTAXIAL POLYDACTYLY; GLI3-Related Pallister-Hall Syndrome. Identifiers: Orphanet 672, MedGen C0265220, MONDO:0007804, OMIM 146510.
Polydactyly, postaxial, type A1. Identifiers: MedGen C4282400, MONDO:0008266, OMIM 174200.
Polydactyly. Also called: polydactylism. Identifiers: MedGen C0152427, MONDO:0021003, OMIM 603596, HP:0010442.

Allele frequency attached by ClinVar (database versions not stated): ESP Exome Variant Server 0.00008; gnomAD 0.00025 and 0.00050; TOPMed 0.00043; gnomAD exomes 0.00075 and 0.00104; ExAC 0.00114; 1000 Genomes Project 30x 0.00297; 1000 Genomes Project 0.00300.
gnomAD v4.1: 1,153 of 1,609,328 alleles (0.072%); highest among the groups gnomAD compares: East Asian, 1.8%; 14 homozygotes.

Submissions (9):

Labcorp Genetics (formerly Invitae), Labcorp
Classification: Benign for Pallister-Hall syndrome; Greig cephalopolysyndactyly syndrome. Last evaluated: 2026-01-13. Review status: criteria provided, single submitter. Criteria: Invitae Variant Classification Sherloc (09022015). Collection method: clinical testing. Allele origin: germline.

Blueprint Genetics
Classification: Likely benign. Last evaluated: 2024-10-30. Review status: criteria provided, single submitter. Criteria: ACMG Guidelines, 2015. Collection method: clinical testing. Allele origin: germline.

CeGaT Center for Human Genetics Tuebingen
Classification: Benign. Last evaluated: 2024-09-01. Review status: criteria provided, single submitter. Criteria: CeGaT Center For Human Genetics Tuebingen Variant Classification Criteria Version 2. Collection method: clinical testing. Allele origin: germline. Affected: yes. Observed: 1 variant allele.
Comment: GLI3: BP4, BS1, BS2

Fulgent Genetics
Classification: Benign for Pallister-Hall syndrome; Polydactyly, postaxial, type A1; Polysyndactyly 4; Greig cephalopolysyndactyly syndrome. Last evaluated: 2022-05-11. Review status: criteria provided, single submitter. Criteria: ACMG Guidelines, 2015. Collection method: clinical testing. Allele origin: unknown.

GeneDx
Classification: Benign. Last evaluated: 2020-10-06. Review status: criteria provided, single submitter. Criteria: GeneDx Variant Classification Process June 2021. Collection method: clinical testing. Allele origin: germline. Affected: yes.
Comment: This variant is associated with the following publications: (PMID: 25231023, 29345162, 26261006)

Illumina Laboratory Services, Illumina
Classification: Benign for Polydactyly. Last evaluated: 2018-01-13. Review status: criteria provided, single submitter. Criteria: ICSL Variant Classification Criteria 13 December 2019. Collection method: clinical testing. Allele origin: germline.
Comment: This variant was observed in the ICSL laboratory as part of a predisposition screen in an ostensibly healthy population. It had not been previously curated by ICSL or reported in the Human Gene Mutation Database (HGMD: prior to June 1st, 2018), and was therefore a candidate for classification through an automated scoring system. Utilizing variant allele frequency, disease prevalence and penetrance estimates, and inheritance mode, an automated score was calculated to assess if this variant is too frequent to cause the disease. Based on the score and internal cut-off values, a variant classified as benign is not then subjected to further curation. The score for this variant resulted in a classification of benign for this disease.

Illumina Laboratory Services, Illumina
Classification: Benign for Pallister-Hall syndrome. Last evaluated: 2018-01-13. Review status: criteria provided, single submitter. Criteria: ICSL Variant Classification Criteria 13 December 2019. Collection method: clinical testing. Allele origin: germline.
Comment: the same text as in the submission from Illumina Laboratory Services, Illumina above.

Illumina Laboratory Services, Illumina
Classification: Benign for Greig cephalopolysyndactyly syndrome. Last evaluated: 2018-01-13. Review status: criteria provided, single submitter. Criteria: ICSL Variant Classification Criteria 13 December 2019. Collection method: clinical testing. Allele origin: germline.
Comment: the same text as in the submission from Illumina Laboratory Services, Illumina above.

Center for Pediatric Genomic Medicine, Children's Mercy Hospital and Clinics
Classification: Likely benign. Last evaluated: 2017-05-31. Review status: criteria provided, single submitter. Criteria: ACMG Guidelines, 2015. Collection method: clinical testing. Allele origin: germline.